The following is an entry in ClinVar:

ClinVar aggregate classification (germline): Uncertain significance (1 of 4 stars; one submission).

Submission:

Ambry Genetics
Classification: Uncertain significance. Last evaluated: 2023-07-17. Review status: criteria provided, single submitter. Criteria: Ambry Variant Classification Scheme 2023. Collection method: clinical testing. Allele origin: germline.
Comment: The p.P1176A variant (also known as c.3526C>G), located in coding exon 31 of the KIF1B gene, results from a C to G substitution at nucleotide position 3526. The proline at codon 1176 is replaced by alanine, an amino acid with highly similar properties. This amino acid position is conserved. In addition, this alteration is predicted to be tolerated by in silico analysis. Since supporting evidence is limited at this time, the clinical significance of this alteration remains unclear.

NM_001365951.3(KIF1B):c.3664C>G (p.Pro1222Ala)

Gene: KIF1B (kinesin family member 1B; plus strand). Cytogenetic location: 1p36.22.
Variant type: single nucleotide variant.
Coding change: c.3664C>G on transcript NM_001365951.3 (MANE Select); coding-DNA position 3664, C replaced by G.
Protein change: p.Pro1222Ala; replaces proline 1222 with alanine.
Molecular consequence: missense variant.
Genome position (GRCh38, 1-based): chr1:10,343,263, C>G. VCF-style: chr1-10343263-C-G. GRCh37 (hg19) VCF-style: chr1-10403321-C-G.
Other names: c.3664C>G, p.Pro1222Ala (NM_001365952.1); c.3526C>G, p.Pro1176Ala (NM_015074.3); short protein forms P1222A, P1176A.
Identifiers: ClinVar variation 2625710 (VCV002625710.2), dbSNP rs1652466324, ClinGen allele CA338342121.